The following is an entry in ClinVar:

NM_004525.3(LRP2):c.2539C>T (p.Arg847Cys)

Gene: LRP2 (LDL receptor related protein 2; minus strand). Cytogenetic location: 2q31.1.
Variant type: single nucleotide variant.
Coding change: c.2539C>T on transcript NM_004525.3 (MANE Select); coding-DNA position 2539, C replaced by T.
Protein change: p.Arg847Cys; replaces arginine 847 with cysteine.
Molecular consequence: missense variant.
Genome position (GRCh38, 1-based): chr2:169,257,224, G>A on the plus strand (C>T on the coding strand, the complement: LRP2 is on the minus strand). VCF-style: chr2-169257224-G-A. GRCh37 (hg19) VCF-style: chr2-170113734-G-A.
Other names: short protein forms R847C.
Identifiers: ClinVar variation 1498145 (VCV001498145.9), dbSNP rs773623041, ClinGen allele CA1955267.

ClinVar aggregate classification (germline): Uncertain significance. Review status: criteria provided, multiple submitters, no conflicts (2 of 4 stars). 3 submissions from 3 submitters: Uncertain significance (3). Last evaluated 2025-01-06.

Conditions:
Donnai-Barrow syndrome. Also called: DBS/FOAR SYNDROME; FACIOOCULOACOUSTICORENAL SYNDROME. Identifiers: Orphanet 2143, MedGen C1857277, MONDO:0009104, OMIM 222448.

Allele frequency attached by ClinVar (database versions not stated): TOPMed below 0.00001; ExAC 0.00001; gnomAD exomes 0.00001.
gnomAD v4.1: 15 of 1,612,736 alleles (0.00093%); highest among the groups gnomAD compares: Non-Finnish European, 0.0011%; no homozygotes.

Submissions (3):

Labcorp Genetics (formerly Invitae), Labcorp
Classification: Uncertain significance. Last evaluated: 2025-01-06. Review status: criteria provided, single submitter. Criteria: Invitae Variant Classification Sherloc (09022015). Collection method: clinical testing. Allele origin: germline.
Comment: This sequence change replaces arginine, which is basic and polar, with cysteine, which is neutral and slightly polar, at codon 847 of the LRP2 protein (p.Arg847Cys). This variant is present in population databases (rs773623041, gnomAD 0.01%). This variant has not been reported in the literature in individuals affected with LRP2-related conditions. ClinVar contains an entry for this variant (Variation ID: 1498145). Invitae Evidence Modeling of protein sequence and biophysical properties (such as structural, functional, and spatial information, amino acid conservation, physicochemical variation, residue mobility, and thermodynamic stability) indicates that this missense variant is expected to disrupt LRP2 protein function with a positive predictive value of 95%. In summary, the available evidence is currently insufficient to determine the role of this variant in disease. Therefore, it has been classified as a Variant of Uncertain Significance.

Fulgent Genetics
Classification: Uncertain significance for Donnai-Barrow syndrome. Last evaluated: 2024-04-17. Review status: criteria provided, single submitter. Criteria: ACMG Guidelines, 2015. Collection method: clinical testing. Allele origin: germline.

Blueprint Genetics
Classification: Uncertain significance. Last evaluated: 2019-04-24. Review status: criteria provided, single submitter. Criteria: ACMG Guidelines, 2015. Collection method: clinical testing. Allele origin: germline.